The following is an entry in ClinVar:

NM_004360.5(CDH1):c.2386C>T (p.Arg796Trp)

Gene: CDH1 (cadherin 1; plus strand). Cytogenetic location: 16q22.1.
Variant type: single nucleotide variant.
Coding change: c.2386C>T on transcript NM_004360.5 (MANE Select); coding-DNA position 2386, C replaced by T.
Protein change: p.Arg796Trp; replaces arginine 796 with tryptophan.
Molecular consequence: missense variant.
Genome position (GRCh38, 1-based): chr16:68,829,744, C>T. VCF-style: chr16-68829744-C-T. GRCh37 (hg19) VCF-style: chr16-68863647-C-T.
Other names: c.2386C>T (LRG_301t1); c.2203C>T, p.Arg735Trp (NM_001317184.2); c.838C>T, p.Arg280Trp (NM_001317185.2); c.421C>T, p.Arg141Trp (NM_001317186.2); short protein forms R796W, R141W, R280W, R735W.
Identifiers: ClinVar variation 492679 (VCV000492679.21), dbSNP rs777363517, ClinGen allele CA8130267.
Genomic context (GRCh38, chr16:68,829,744, plus strand): 5'-CTGGACGCTCGGCCTGAAGTGACTCGTAACGACGTTGCACCAACCCTCATGAGTGTCCCC[C>T]GGTATCTTCCCCGCCCTGCCAATCCCGATGAAATTGGAAATTTTATTGATGAAGTAAGTA-3'
Protein context (NP_004351.1, residues 786-806): DVAPTLMSVP[Arg796Trp]YLPRPANPDE

ClinVar aggregate classification (germline): Uncertain significance. Review status: criteria provided, multiple submitters, no conflicts (2 of 4 stars). 8 submissions from 8 submitters: Uncertain significance (6). 2 of the submissions do not count toward it. Last evaluated 2025-08-12.

Conditions:
Hereditary cancer-predisposing syndrome. Also called: Tumor predisposition; Neoplastic Syndromes, Hereditary; Hereditary Cancer Syndrome; Hereditary neoplastic syndrome. Identifiers: Orphanet 140162, MedGen C0027672, MeSH D009386, MONDO:0015356.
Hereditary diffuse gastric adenocarcinoma (HDGC). Also called: DIFFUSE GASTRIC AND LOBULAR BREAST CANCER SYNDROME. Identifiers: Orphanet 26106, MedGen C1708349, MONDO:0007648, OMIM 137215.

Allele frequency attached by ClinVar (database versions not stated): TOPMed below 0.00001; gnomAD exomes 0.00001 and 0.00002; ExAC 0.00002; gnomAD 0.00003.
gnomAD v4.1: 17 of 1,614,036 alleles (0.0011%); highest among the groups gnomAD compares: East Asian, 0.0022%; no homozygotes.

Submissions (8):

Color Diagnostics, LLC DBA Color Health
Classification: Uncertain significance for Hereditary cancer-predisposing syndrome. Last evaluated: 2025-08-12. Review status: criteria provided, single submitter. Criteria: ACMG Guidelines, 2015. Collection method: clinical testing. Allele origin: germline.
Comment: This missense variant replaces arginine with tryptophan at codon 796 of the CDH1 protein. To our knowledge, functional studies have not been reported for this variant. This variant has been reported in an individual affected with breast cancer (PMID: 36436516) and an unaffected individual (PMID: 31784482, 32885271). This variant also has been detected in a breast cancer case-control meta-analysis in 3/60466 cases and 2/53461 unaffected individuals (PMID: 33471991Leiden Open Variation Database DB-ID CDH1_000693). This variant has been identified in 7/282780 chromosomes in the general population by the Genome Aggregation Database (gnomAD). The available evidence is insufficient to determine the role of this variant in disease conclusively. Therefore, this variant is classified as a Variant of Uncertain Significance.

Labcorp Genetics (formerly Invitae), Labcorp
Classification: Uncertain significance for Hereditary diffuse gastric adenocarcinoma. Last evaluated: 2025-06-09. Review status: criteria provided, single submitter. Criteria: Invitae Variant Classification Sherloc (09022015). Collection method: clinical testing. Allele origin: germline.
Comment: This sequence change replaces arginine, which is basic and polar, with tryptophan, which is neutral and slightly polar, at codon 796 of the CDH1 protein (p.Arg796Trp). This variant is present in population databases (rs777363517, gnomAD 0.008%). This variant has not been reported in the literature in individuals affected with CDH1-related conditions. ClinVar contains an entry for this variant (Variation ID: 492679). An algorithm developed to predict the effect of missense changes on protein structure and function (PolyPhen-2) suggests that this variant is likely to be disruptive. In summary, the available evidence is currently insufficient to determine the role of this variant in disease. Therefore, it has been classified as a Variant of Uncertain Significance.

Ambry Genetics
Classification: Uncertain significance for Hereditary cancer-predisposing syndrome. Last evaluated: 2025-04-20. Review status: criteria provided, single submitter. Criteria: Ambry Variant Classification Scheme 2023. Collection method: clinical testing. Allele origin: germline.
Comment: The p.R796W variant (also known as c.2386C>T), located in coding exon 15 of the CDH1 gene, results from a C to T substitution at nucleotide position 2386. The arginine at codon 796 is replaced by tryptophan, an amino acid with dissimilar properties. This variant was also observed in 1/3251 individuals who met eligibility criteria for hereditary breast and ovarian cancer syndrome (Lerner-Ellis J et al. J Cancer Res Clin Oncol, 2021 Mar;147:871-879). This amino acid position is poorly conserved in available vertebrate species. In addition, this alteration is predicted to be tolerated by in silico analysis. Since supporting evidence is limited at this time, the clinical significance of this alteration remains unclear.

GeneDx
Classification: Uncertain significance. Last evaluated: 2024-01-22. Review status: criteria provided, single submitter. Criteria: GeneDx Variant Classification Process June 2021. Collection method: clinical testing. Allele origin: germline. Affected: yes.
Comment: Observed in individuals with breast cancer, as well as in unaffected controls (PMID: 33471991, 36436516); In silico analysis supports that this missense variant has a deleterious effect on protein structure/function; This variant is associated with the following publications: (PMID: 33471991, 15235021, 22850631, 31784482, 36436516, 32885271)

Quest Diagnostics Nichols Institute San Juan Capistrano
Classification: Uncertain significance. Last evaluated: 2023-02-08. Review status: criteria provided, single submitter. Criteria: Quest Diagnostics criteria. Collection method: clinical testing. Allele origin: unknown.
Comment: The frequency of this variant in the general population, 0.000025 (7/282780 chromosomes), is uninformative in assessment of its pathogenicity. In the published literature, the variant was reported in an unaffected individual with a family history of hereditary breast/ovarian cancer (PMID: 31784482 (2020)). In a large scale breast cancer association study, the variant was observed in breast cancer cases as well as in control subjects (see LOVD and PMID: 33471991 (2021)). Analysis of this variant using bioinformatics tools for the prediction of the effect of amino acid changes on protein structure and function yielded conflicting predictions that this variant is benign or damaging. Based on the available information, we are unable to determine the clinical significance of this variant.

European Reference Network on Genetic Tumour Risk Syndromes (ERN-GENTURIS), i3s - Instituto de Investigação e Inovação em Saúde, University of Porto
Classification: Uncertain significance for Hereditary diffuse gastric adenocarcinoma. Last evaluated: 2022-08-01. Review status: criteria provided, single submitter. Criteria: Lee et al. (Hum Mutat. 2018). Collection method: clinical testing. Allele origin: germline. Inheritance: Autosomal dominant inheritance. Affected: no. Study: ERN GENTURIS.
Comment: Not applicable criteria (PMID: 30311375)

Department of Pathology and Laboratory Medicine, Sinai Health System
Classification: Uncertain significance. Review status: no assertion criteria provided. Collection method: clinical testing. Allele origin: unknown. Affected: yes. Study: The Canadian Open Genetics Repository (COGR). Not counted in ClinVar's aggregate classification.
Comment: The CDH1 p.Arg796Trp variant was not identified in the literature. The variant was identified in dbSNP (ID: rs777363517) as "With Uncertain significance allele" and ClinVar (classified as uncertain significance by Mayo Clinic). The variant was identified in control databases in 7 of 277134 chromosomes at a frequency of 0.00003 (Genome Aggregation Database Feb 27, 2017). The variant was observed in the following populations: African in 2 of 24018 chromosomes (freq: 0.00008), European in 2 of 126670 chromosomes (freq: 0.00002), East Asian in 1 of 18862 chromosomes (freq: 0.00005), and South Asian in 2 of 30782 chromosomes (freq: 0.00007), while the variant was not observed in the Other, Latino, Ashkenazi Jewish, or Finnish populations. The p.Arg796 residue is not conserved in mammals and other organisms, though 4 of 5 computational analyses (PolyPhen-2, SIFT, AlignGVGD, BLOSUM, MutationTaster) suggest that the variant may impact the protein. The variant occurs outside of the splicing consensus sequence and in silico or computational prediction software programs (SpliceSiteFinder, MaxEntScan, NNSPLICE, GeneSplicer) do not predict a difference in splicing. In summary, based on the above information, the clinical significance of this variant cannot be determined with certainty at this time. This variant is classified as a variant of uncertain significance.

Mayo Clinic Laboratories, Mayo Clinic
Classification: Uncertain significance. Review status: no assertion criteria provided. Collection method: clinical testing. Allele origin: unknown. Not counted in ClinVar's aggregate classification.

Literature cited by the submitters: PubMed 31784482 (cited by Color Diagnostics, LLC DBA Color Health and Quest Diagnostics Nichols Institute San Juan Capistrano); PubMed 32885271 (cited by Color Diagnostics, LLC DBA Color Health and Ambry Genetics); PubMed 33471991 (cited by Color Diagnostics, LLC DBA Color Health and Quest Diagnostics Nichols Institute San Juan Capistrano); PubMed 36436516 (cited by Color Diagnostics, LLC DBA Color Health and European Reference Network on Genetic Tumour Risk Syndromes (ERN-GENTURIS), i3s - Instituto de Investigação e Inovação em Saúde, University of Porto).